The following is an entry in ClinVar:

ClinVar aggregate classification (germline): Uncertain significance (1 of 4 stars; one submission).

Submission:

Ambry Genetics
Classification: Uncertain significance. Last evaluated: 2025-02-26. Review status: criteria provided, single submitter. Criteria: Ambry Variant Classification Scheme 2023. Collection method: clinical testing. Allele origin: germline.
Comment: The p.G23R variant (also known as c.67G>C), located in coding exon 1 of the MLH3 gene, results from a G to C substitution at nucleotide position 67. The glycine at codon 23 is replaced by arginine, an amino acid with dissimilar properties. This amino acid position is conserved. In addition, this alteration is predicted to be tolerated by in silico analysis. Based on the available evidence, the clinical significance of this variant remains unclear.

NM_001040108.2(MLH3):c.67G>C (p.Gly23Arg)

Gene: MLH3 (mutL homolog 3; minus strand). Cytogenetic location: 14q24.3.
Variant type: single nucleotide variant.
Coding change: c.67G>C on transcript NM_001040108.2 (MANE Select); coding-DNA position 67, G replaced by C.
Protein change: p.Gly23Arg; replaces glycine 23 with arginine.
Molecular consequence: missense variant.
Genome position (GRCh38, 1-based): chr14:75,049,589, C>G on the plus strand (G>C on the coding strand, the complement: MLH3 is on the minus strand). VCF-style: chr14-75049589-C-G. GRCh37 (hg19) VCF-style: chr14-75516292-C-G.
Other names: c.67G>C, p.Gly23Arg (NM_014381.3); short protein forms G23R.
Identifiers: ClinVar variation 3873534 (VCV003873534.1).
Genomic context (GRCh38, chr14:75,049,589, plus strand): 5'-CAGCCACACATTTTGCTTCAGCATCAATACTGTTGAGGGCAAGTTCCTCAACACATTGGC[C>G]CAAGGAGCTTATGGCCAAACCAGAACGCAATTTGGCTTGTACTTCAACTGACAAGCACTT-3'
Protein context (NP_001035197.1, residues 13-33): LRSGLAISSL[Gly23Arg]QCVEELALNS